The following is an entry in ClinVar:

NM_014365.3(HSPB8):c.239G>C (p.Gly80Ala)

Gene: HSPB8 (heat shock protein family B (small) member 8; plus strand). Cytogenetic location: 12q24.23.
Variant type: single nucleotide variant.
Coding change: c.239G>C on transcript NM_014365.3 (MANE Select); coding-DNA position 239, G replaced by C.
Protein change: p.Gly80Ala; replaces glycine 80 with alanine.
Molecular consequence: missense variant.
Genome position (GRCh38, 1-based): chr12:119,179,551, G>C. VCF-style: chr12-119179551-G-C. GRCh37 (hg19) VCF-style: chr12-119617356-G-C.
Other names: short protein forms G80A.
Identifiers: ClinVar variation 2694539 (VCV002694539.3), dbSNP rs2500034739, ClinGen allele CA386525517.

ClinVar aggregate classification (germline): Uncertain significance (1 of 4 stars; one submission).

Conditions:
Charcot-Marie-Tooth disease axonal type 2L. Also called: CHARCOT-MARIE-TOOTH DISEASE, AXONAL, AUTOSOMAL DOMINANT, TYPE 2L; CHARCOT-MARIE-TOOTH NEUROPATHY, AXONAL, TYPE 2L; Charcot-Marie-Tooth Neuropathy Type 2L. Identifiers: Orphanet 99945, MedGen C1837552, MONDO:0012096, OMIM 608673.

Submission:

Labcorp Genetics (formerly Invitae), Labcorp
Classification: Uncertain significance for Charcot-Marie-Tooth disease axonal type 2L. Last evaluated: 2023-11-20. Review status: criteria provided, single submitter. Criteria: Invitae Variant Classification Sherloc (09022015). Collection method: clinical testing. Allele origin: germline.
Comment: This sequence change replaces glycine, which is neutral and non-polar, with alanine, which is neutral and non-polar, at codon 80 of the HSPB8 protein (p.Gly80Ala). This variant is not present in population databases (gnomAD no frequency). This variant has not been reported in the literature in individuals affected with HSPB8-related conditions. An algorithm developed to predict the effect of missense changes on protein structure and function (PolyPhen-2) suggests that this variant is likely to be tolerated. In summary, the available evidence is currently insufficient to determine the role of this variant in disease. Therefore, it has been classified as a Variant of Uncertain Significance.